The following is an entry in ClinVar:

NM_000455.5(STK11):c.312G>C (p.Arg104Ser)

Gene: STK11 (serine/threonine kinase 11; plus strand). Cytogenetic location: 19p13.3.
Variant type: single nucleotide variant.
Coding change: c.312G>C on transcript NM_000455.5 (MANE Select); coding-DNA position 312, G replaced by C.
Protein change: p.Arg104Ser; replaces arginine 104 with serine.
Molecular consequence: missense variant.
Genome position (GRCh38, 1-based): chr19:1,218,438, G>C. VCF-style: chr19-1218438-G-C. GRCh37 (hg19) VCF-style: chr19-1218437-G-C.
Other names: short protein forms R104S.
Identifiers: ClinVar variation 220485 (VCV000220485.27), dbSNP rs780749732, ClinGen allele CA350622.
Genomic context (GRCh38, chr19:1,218,438, plus strand): 5'-GTTGGGTCGGCTGATACACCCCTGTCCTCTCTGTCCCAGGGAAATTCAACTACTGAGGAG[G>C]TTACGGCACAAAAATGTCATCCAGCTGGTGGATGTGTTATACAACGAAGAGAAGCAGAAA-3'
Protein context (NP_000446.1, residues 94-114): NVKKEIQLLR[Arg104Ser]LRHKNVIQLV

ClinVar aggregate classification (germline): Uncertain significance. Review status: criteria provided, multiple submitters, no conflicts (2 of 4 stars). 8 submissions from 8 submitters: Uncertain significance (8). Last evaluated 2025-12-10.

Conditions:
Hereditary cancer-predisposing syndrome. Also called: Tumor predisposition; Hereditary neoplastic syndrome; Neoplastic Syndromes, Hereditary; Hereditary Cancer Syndrome. Identifiers: Orphanet 140162, MedGen C0027672, MeSH D009386, MONDO:0015356.
Breast and/or ovarian cancer. Identifiers: MedGen CN221562.
Peutz-Jeghers syndrome (PJS). Also called: POLYPOSIS, HAMARTOMATOUS INTESTINAL; POLYPS-AND-SPOTS SYNDROME; Peutz-Jeghers polyposis; Periorificial lentiginosis syndrome. Identifiers: Orphanet 2869, MedGen C0031269, MeSH D010580, MONDO:0008280, OMIM 175200.

gnomAD v4.1: 4 of 1,613,684 alleles (0.00025%); highest among the groups gnomAD compares: Non-Finnish European, 0.00034%; no homozygotes.

Submissions (8):

Labcorp Genetics (formerly Invitae), Labcorp
Classification: Uncertain significance for Peutz-Jeghers syndrome. Last evaluated: 2025-12-10. Review status: criteria provided, single submitter. Criteria: Invitae Variant Classification Sherloc (09022015). Collection method: clinical testing. Allele origin: germline.
Comment: This sequence change replaces arginine, which is basic and polar, with serine, which is neutral and polar, at codon 104 of the STK11 protein (p.Arg104Ser). This variant is present in population databases (no rsID available, gnomAD 0.002%). This variant has not been reported in the literature in individuals affected with STK11-related conditions. ClinVar contains an entry for this variant (Variation ID: 220485). Invitae Evidence Modeling of protein sequence and biophysical properties (such as structural, functional, and spatial information, amino acid conservation, physicochemical variation, residue mobility, and thermodynamic stability) has been performed for this missense variant. However, the output from this modeling did not meet the statistical confidence thresholds required to predict the impact of this variant on STK11 protein function. In summary, the available evidence is currently insufficient to determine the role of this variant in disease. Therefore, it has been classified as a Variant of Uncertain Significance.

Ambry Genetics
Classification: Uncertain significance for Hereditary cancer-predisposing syndrome. Last evaluated: 2024-06-01. Review status: criteria provided, single submitter. Criteria: Ambry Variant Classification Scheme 2023. Collection method: clinical testing. Allele origin: germline.
Comment: The p.R104S variant (also known as c.312G>C), located in coding exon 2 of the STK11 gene, results from a G to C substitution at nucleotide position 312. The arginine at codon 104 is replaced by serine, an amino acid with dissimilar properties. This amino acid position is highly conserved in available vertebrate species. In addition, the in silico prediction for this alteration is inconclusive. Since supporting evidence is limited at this time, the clinical significance of this alteration remains unclear.

Color Diagnostics, LLC DBA Color Health
Classification: Uncertain significance for Hereditary cancer-predisposing syndrome. Last evaluated: 2024-03-06. Review status: criteria provided, single submitter. Criteria: ACMG Guidelines, 2015. Collection method: clinical testing. Allele origin: germline.
Comment: This missense variant replaces arginine with serine at codon 104 of the STK11 protein. Computational prediction is inconclusive regarding the impact of this variant on protein structure and function (internally defined REVEL score threshold 0.5 < inconclusive < 0.7, PMID: 27666373). To our knowledge, functional studies have not been reported for this variant. This variant has not been reported in individuals affected with hereditary cancer in the literature. This variant has been identified in 2/249178 chromosomes in the general population by the Genome Aggregation Database (gnomAD). The available evidence is insufficient to determine the role of this variant in disease conclusively. Therefore, this variant is classified as a Variant of Uncertain Significance.

All of Us Research Program, National Institutes of Health
Classification: Uncertain significance for Peutz-Jeghers syndrome. Last evaluated: 2024-02-28. Review status: criteria provided, single submitter. Criteria: ACMG Guidelines, 2015. Collection method: clinical testing. Allele origin: germline. Inheritance: Autosomal dominant inheritance. Observed: 1 variant allele, 1 heterozygote.
Comment: This missense variant replaces arginine with serine at codon 104 of the STK11 protein. Computational prediction is inconclusive regarding the impact of this variant on protein structure and function (internally defined REVEL score threshold 0.5 < inconclusive < 0.7, PMID: 27666373). To our knowledge, functional studies have not been reported for this variant. This variant has not been reported in individuals affected with hereditary cancer in the literature. This variant has been identified in 2/249178 chromosomes in the general population by the Genome Aggregation Database (gnomAD). The available evidence is insufficient to determine the role of this variant in disease conclusively. Therefore, this variant is classified as a Variant of Uncertain Significance.

This study involves interpretation of variants in research participants for the purpose of population health screening. Participant phenotype was not available at the time of variant classification. Additional details can be found in publication PMID: 35346344, PMCID: PMC8962531

CHEO Genetics Diagnostic Laboratory, Children's Hospital of Eastern Ontario
Classification: Uncertain significance for Breast and/or ovarian cancer. Last evaluated: 2022-03-14. Review status: criteria provided, single submitter. Criteria: ACMG Guidelines, 2015. Collection method: clinical testing. Allele origin: germline.

Genome-Nilou Lab
Classification: Uncertain significance for Peutz-Jeghers syndrome. Last evaluated: 2021-07-15. Review status: criteria provided, single submitter. Criteria: ACMG Guidelines, 2015. Collection method: clinical testing. Allele origin: germline. Affected: no.

GeneDx
Classification: Uncertain significance. Last evaluated: 2021-03-31. Review status: criteria provided, single submitter. Criteria: GeneDx Variant Classification Process June 2021. Collection method: clinical testing. Allele origin: germline. Affected: yes.
Comment: Not observed at a significant frequency in large population cohorts (Lek 2016); In silico analysis supports that this missense variant does not alter protein structure/function; Has not been previously published as pathogenic or benign to our knowledge

Quest Diagnostics Nichols Institute San Juan Capistrano
Classification: Uncertain significance. Last evaluated: 2018-05-11. Review status: criteria provided, single submitter. Criteria: Quest Diagnostics criteria. Collection method: clinical testing. Allele origin: germline.